The following is an entry in ClinVar:

ClinVar aggregate classification (germline): Uncertain significance (1 of 4 stars; one submission).

Conditions:
MEGF10-related myopathy (CMYO10A). Also called: Congenital myopathy 10A, severe variant. Identifiers: Orphanet 439212, MedGen C3280679, MONDO:0013731, OMIM 614399.

Allele frequency attached by ClinVar (database versions not stated): gnomAD exomes below 0.00001.
gnomAD v4.1: 4 of 1,612,288 alleles (0.00025%); highest among the groups gnomAD compares: Non-Finnish European, 0.00034%; no homozygotes.

Submission:

Labcorp Genetics (formerly Invitae), Labcorp
Classification: Uncertain significance for MEGF10-related myopathy. Last evaluated: 2022-02-11. Review status: criteria provided, single submitter. Criteria: Invitae Variant Classification Sherloc (09022015). Collection method: clinical testing. Allele origin: germline.
Comment: In summary, the available evidence is currently insufficient to determine the role of this variant in disease. Therefore, it has been classified as a Variant of Uncertain Significance. Algorithms developed to predict the effect of missense changes on protein structure and function are either unavailable or do not agree on the potential impact of this missense change (SIFT: "Deleterious"; PolyPhen-2: "Probably Damaging"; Align-GVGD: "Class C0"). This variant has not been reported in the literature in individuals affected with MEGF10-related conditions. This variant is not present in population databases (gnomAD no frequency). This sequence change replaces histidine, which is basic and polar, with arginine, which is basic and polar, at codon 115 of the MEGF10 protein (p.His115Arg).

NM_001256545.2(MEGF10):c.344A>G (p.His115Arg)

Gene: MEGF10 (multiple EGF like domains 10; plus strand). Cytogenetic location: 5q23.2.
Variant type: single nucleotide variant.
Coding change: c.344A>G on transcript NM_001256545.2 (MANE Select); coding-DNA position 344, A replaced by G.
Protein change: p.His115Arg; replaces histidine 115 with arginine.
Molecular consequence: missense variant.
Genome position (GRCh38, 1-based): chr5:127,369,934, A>G. VCF-style: chr5-127369934-A-G. GRCh37 (hg19) VCF-style: chr5-126705626-A-G.
Other names: c.344A>G, p.His115Arg (NM_001308119.2, NM_001308121.2, NM_032446.3); short protein forms H115R.
Identifiers: ClinVar variation 2185971 (VCV002185971.4), dbSNP rs2479531297, ClinGen allele CA360825076.